The following is an entry in ClinVar:

ClinVar aggregate classification (germline): Uncertain significance (1 of 4 stars; one submission).

Conditions:
Hereditary cancer-predisposing syndrome. Also called: Neoplastic Syndromes, Hereditary; Tumor predisposition; Hereditary Cancer Syndrome; Hereditary neoplastic syndrome. Identifiers: Orphanet 140162, MedGen C0027672, MeSH D009386, MONDO:0015356.

Submission:

Ambry Genetics
Classification: Uncertain significance for Hereditary cancer-predisposing syndrome. Last evaluated: 2026-06-09. Review status: criteria provided, single submitter. Criteria: Ambry Variant Classification Scheme 2023. Collection method: clinical testing. Allele origin: germline.
Comment: The p.E258A variant (also known as c.773A>C), located in coding exon 7 of the APC gene, results from an A to C substitution at nucleotide position 773. The glutamic acid at codon 258 is replaced by alanine, an amino acid with dissimilar properties. This amino acid position is well conserved in available vertebrate species. In addition, in silico predictors for this gene do not accurately predict pathogenicity. Missense variants in APC are not a common cause of disease (Spier I et al. Genet Med. 2024 Feb;26(2):100992). Based on the available evidence, the clinical significance of this variant remains unclear.

NM_000038.6(APC):c.773A>C (p.Glu258Ala)

Gene: APC (APC regulator of Wnt signaling pathway; plus strand). Cytogenetic location: 5q22.2.
Variant type: single nucleotide variant.
Coding change: c.773A>C on transcript NM_000038.6 (MANE Select); coding-DNA position 773, A replaced by C.
Protein change: p.Glu258Ala; replaces glutamic acid 258 with alanine.
Molecular consequence: missense variant. On other transcripts: 5 prime UTR variant (4), non-coding transcript variant (2).
Genome position (GRCh38, 1-based): chr5:112,801,322, A>C. VCF-style: chr5-112801322-A-C. GRCh37 (hg19) VCF-style: chr5-112137019-A-C.
Other names: c.719A>C, p.Glu240Ala (NM_001127511.3); c.773A>C, p.Glu258Ala (NM_001354895.2, NM_001354896.2, NM_001354903.2 and 12 more transcripts); c.803A>C, p.Glu268Ala (NM_001354897.2, NM_001354902.2, NM_001407446.1); c.698A>C, p.Glu233Ala (NM_001354898.2, NM_001354904.2, NM_001407451.1); c.689A>C, p.Glu230Ala (NM_001354899.2, NM_001407452.1, NM_001407467.1 and 1 more transcripts); c.596A>C, p.Glu199Ala (NM_001354900.2, NM_001354901.2, NM_001354905.2 and 1 more transcripts); c.-263A>C (NM_001354906.2, NM_001407470.1, NM_001407471.1 and 1 more transcripts); short protein forms E199A, E230A, E233A, E240A, E258A, E268A.
Identifiers: ClinVar variation 4862019 (VCV004862019.1).